The following is an entry in ClinVar:

Conditions:
Breast-ovarian cancer, familial, susceptibility to, 1 (BROVCA1). Also called: BRCA1 Hereditary Breast and Ovarian Cancer; OVARIAN CANCER, SUSCEPTIBILITY TO. Identifiers: Orphanet 145, MedGen C2676676, MONDO:0011450, OMIM 604370. Disease mechanism: loss of function.

Submission:

Brotman Baty Institute, University of Washington
No classification provided (evidence only). Condition: Breast-ovarian cancer, familial 1. Review status: no classification provided. Collection method: in vitro. Allele origin: not applicable. Functional consequence: functionally_abnormal.
ClinVar note: "not provided" was previously submitted as the classification for the variant. However, the classification appeared to be based only on an observation of functional data so it was converted to no classification on 2025-07-30.

NM_007294.4(BRCA1):c.4964C>G (p.Ser1655Cys)

Gene: BRCA1 (BRCA1 DNA repair associated; minus strand). Cytogenetic location: 17q21.31.
Variant type: single nucleotide variant.
Coding change: c.4964C>G on transcript NM_007294.4 (MANE Select); coding-DNA position 4964, C replaced by G.
Protein change: p.Ser1655Cys; replaces serine 1655 with cysteine.
Molecular consequence: missense variant. On other transcripts: non-coding transcript variant (1).
Genome position (GRCh38, 1-based): chr17:43,070,950, G>C on the plus strand (C>G on the coding strand, the complement: BRCA1 is on the minus strand). VCF-style: chr17-43070950-G-C. GRCh37 (hg19) VCF-style: chr17-41222967-G-C.
Other names: c.4751C>G, p.Ser1584Cys (NM_001407571.1, NM_001407894.1, NM_001407895.1 and 12 more transcripts); c.5030C>G, p.Ser1677Cys (NM_001407581.1, NM_001407582.1); c.5027C>G, p.Ser1676Cys (NM_001407583.1, NM_001407585.1, NM_001407587.1 and 1 more transcripts); c.5024C>G, p.Ser1675Cys (NM_001407590.1, NM_001407591.1); c.4964C>G, p.Ser1655Cys (NM_001407593.1, NM_001407594.1, NM_001407596.1 and 8 more transcripts); c.4961C>G, p.Ser1654Cys (NM_001407620.1, NM_001407621.1, NM_001407622.1 and 17 more transcripts); c.4958C>G, p.Ser1653Cys (NM_001407627.1, NM_001407628.1, NM_001407639.1 and 14 more transcripts); c.4955C>G, p.Ser1652Cys (NM_001407644.1, NM_001407645.1); and 70 more; short protein forms S1676C, S551C, S1608C, S1655C, S1359C, S1486C, S1567C, S1583C.
Identifiers: ClinVar variation 865736 (VCV000865736.3), dbSNP rs80357390, ClinGen allele CA10591595.
Genomic context (GRCh38, chr17:43,070,950, plus strand): 5'-GTCTTAGTCATTAGGGAGATACATATGGATACACTCACAAATTCTTCTGGGGTCAGGCCA[G>C]ACACCACCATGGACATTCTTTTGTTGACCCTTTCTGTTGAAGCTGTCAATTCTGGCTTCT-3'
Protein context (NP_009225.1, residues 1645-1665): RVNKRMSMVV[Ser1655Cys]GLTPEEFMLV